The following is an entry in ClinVar:

NM_000548.5(TSC2):c.5335C>A (p.Gln1779Lys)

Gene: TSC2 (TSC complex subunit 2; plus strand). Cytogenetic location: 16p13.3.
Variant type: single nucleotide variant.
Coding change: c.5335C>A on transcript NM_000548.5 (MANE Select); coding-DNA position 5335, C replaced by A.
Protein change: p.Gln1779Lys; replaces glutamine 1779 with lysine.
Molecular consequence: missense variant.
Genome position (GRCh38, 1-based): chr16:2,088,521, C>A. VCF-style: chr16-2088521-C-A. GRCh37 (hg19) VCF-style: chr16-2138522-C-A.
Other names: c.5134C>A, p.Gln1712Lys (NM_001077183.3); c.5266C>A, p.Gln1756Lys (NM_001114382.3); c.5026C>A, p.Gln1676Lys (NM_001318827.2); c.4990C>A, p.Gln1664Lys (NM_001318829.2); c.4603C>A, p.Gln1535Lys (NM_001318831.2); c.5167C>A, p.Gln1723Lys (NM_001318832.2); c.5137C>A, p.Gln1713Lys (NM_001363528.2); c.5203C>A, p.Gln1735Lys (NM_001370404.1); and 2 more; short protein forms Q1664K, Q1713K, Q1756K, Q1535K, Q1676K, Q1712K, Q1735K, Q1736K.
Identifiers: ClinVar variation 864247 (VCV000864247.10), dbSNP rs1396666232, ClinGen allele CA394315628.

ClinVar aggregate classification (germline): Uncertain significance. Review status: criteria provided, multiple submitters, no conflicts (2 of 4 stars). 2 submissions from 2 submitters: Uncertain significance (2). Last evaluated 2025-10-22.

Conditions:
Hereditary cancer-predisposing syndrome. Also called: Tumor predisposition; Hereditary Cancer Syndrome; Neoplastic Syndromes, Hereditary; Hereditary neoplastic syndrome. Identifiers: Orphanet 140162, MedGen C0027672, MeSH D009386, MONDO:0015356.
Tuberous sclerosis 2 (TSC2). Identifiers: Orphanet 805, MedGen C1860707, MONDO:0013199, OMIM 613254.

Submissions (2):

Ambry Genetics
Classification: Uncertain significance for Hereditary cancer-predisposing syndrome. Last evaluated: 2025-10-22. Review status: criteria provided, single submitter. Criteria: Ambry Variant Classification Scheme 2023. Collection method: clinical testing. Allele origin: germline.
Comment: The p.Q1779K variant (also known as c.5335C>A), located in coding exon 41 of the TSC2 gene, results from a C to A substitution at nucleotide position 5335. The glutamine at codon 1779 is replaced by lysine, an amino acid with similar properties. This amino acid position is conserved. In addition, the in silico prediction for this alteration is inconclusive. Based on the available evidence, the clinical significance of this variant remains unclear.

Labcorp Genetics (formerly Invitae), Labcorp
Classification: Uncertain significance for Tuberous sclerosis 2. Last evaluated: 2019-12-11. Review status: criteria provided, single submitter. Criteria: Invitae Variant Classification Sherloc (09022015). Collection method: clinical testing. Allele origin: germline.
Comment: This variant is not present in population databases (ExAC no frequency). This variant has not been reported in the literature in individuals with TSC2-related conditions. Algorithms developed to predict the effect of missense changes on protein structure and function (SIFT, PolyPhen-2, Align-GVGD) all suggest that this variant is likely to be tolerated, but these predictions have not been confirmed by published functional studies and their clinical significance is uncertain. This sequence change replaces glutamine with lysine at codon 1779 of the TSC2 protein (p.Gln1779Lys). The glutamine residue is highly conserved and there is a small physicochemical difference between glutamine and lysine. In summary, the available evidence is currently insufficient to determine the role of this variant in disease. Therefore, it has been classified as a Variant of Uncertain Significance.